The following is an entry in ClinVar:

ClinVar aggregate classification (germline): Likely benign. Review status: criteria provided, single submitter (1 of 4 stars). 2 submissions from 2 submitters: Likely benign (1). 1 of the submissions does not count toward it. Last evaluated 2019-01-03.

Conditions:
CSMD1-related disorder. Also called: CSMD1-related condition.

Allele frequency attached by ClinVar (database versions not stated): gnomAD exomes 0.00008 and 0.00025; ExAC 0.00032; ESP Exome Variant Server 0.00085; gnomAD 0.00085 and 0.00093; TOPMed 0.00095; 1000 Genomes Project 30x 0.00109; 1000 Genomes Project 0.00120.
gnomAD v4.1: 243 of 1,568,776 alleles (0.015%); highest among the groups gnomAD compares: African/African-American, 0.29%; no homozygotes.

Submissions (2):

Labcorp Genetics (formerly Invitae), Labcorp
Classification: Likely benign. Last evaluated: 2019-01-03. Review status: criteria provided, single submitter. Criteria: Invitae Variant Classification Sherloc (09022015). Collection method: clinical testing. Allele origin: germline.

PreventionGenetics, part of Exact Sciences
Classification: Likely benign for CSMD1-related condition. Last evaluated: 2023-04-25. Review status: no assertion criteria provided. Collection method: clinical testing. Allele origin: germline. Not counted in ClinVar's aggregate classification.
Comment: This variant is classified as likely benign based on ACMG/AMP sequence variant interpretation guidelines (Richards et al. 2015 PMID: 25741868, with internal and published modifications).

NM_033225.6(CSMD1):c.6757T>C (p.Phe2253Leu)

Genes: CSMD1 (CUB and Sushi multiple domains 1; minus strand), LOC126860285 (BRD4-independent group 4 enhancer GRCh37_chr8:2964721-2965920; plus strand). Cytogenetic location: 8p23.2.
Variant type: single nucleotide variant.
Coding change: c.6757T>C on transcript NM_033225.6 (MANE Select); coding-DNA position 6757, T replaced by C.
Protein change: p.Phe2253Leu; replaces phenylalanine 2253 with leucine.
Molecular consequence: missense variant.
Genome position (GRCh38, 1-based): chr8:3,107,796, A>G on the plus strand (T>C on the coding strand, the complement: CSMD1 is on the minus strand). VCF-style: chr8-3107796-A-G. GRCh37 (hg19) VCF-style: chr8-2965318-A-G.
Other names: short protein forms F2253L.
Identifiers: ClinVar variation 750544 (VCV000750544.5), dbSNP rs182371880, ClinGen allele CA4606297.